The following is an entry in ClinVar:

ClinVar aggregate classification (germline): Uncertain significance. Review status: criteria provided, multiple submitters, no conflicts (2 of 4 stars). 4 submissions from 4 submitters: Uncertain significance (4). Last evaluated 2024-12-28.

Allele frequency attached by ClinVar (database versions not stated): ExAC 0.00009; gnomAD 0.00009; TOPMed 0.00012; ESP Exome Variant Server 0.00015; 1000 Genomes Project 0.00020; 1000 Genomes Project 30x 0.00031.
gnomAD v4.1: 155 of 1,614,032 alleles (0.0096%); highest among the groups gnomAD compares: African/African-American, 0.017%; no homozygotes.

Submissions (4):

Ambry Genetics
Classification: Uncertain significance. Last evaluated: 2024-12-28. Review status: criteria provided, single submitter. Criteria: Ambry Variant Classification Scheme 2023. Collection method: clinical testing. Allele origin: germline.

Blueprint Genetics
Classification: Uncertain significance. Last evaluated: 2024-08-27. Review status: criteria provided, single submitter. Criteria: ACMG Guidelines, 2015. Collection method: clinical testing. Allele origin: germline.

GeneDx
Classification: Uncertain significance. Last evaluated: 2022-10-13. Review status: criteria provided, single submitter. Criteria: GeneDx Variant Classification Process June 2021. Collection method: clinical testing. Allele origin: germline. Affected: yes.
Comment: In silico analysis supports that this missense variant has a deleterious effect on protein structure/function; Has not been previously published as pathogenic or benign to our knowledge; Variants in candidate genes are classified as variants of uncertain significance in accordance with ACMG guidelines (Richards et al., 2015)

Labcorp Genetics (formerly Invitae), Labcorp
Classification: Uncertain significance. Last evaluated: 2022-08-08. Review status: criteria provided, single submitter. Criteria: Invitae Variant Classification Sherloc (09022015). Collection method: clinical testing. Allele origin: germline.
Comment: This variant has not been reported in the literature in individuals affected with KIAA0556-related conditions. This variant is present in population databases (rs377123532, gnomAD 0.03%). This sequence change replaces aspartic acid, which is acidic and polar, with asparagine, which is neutral and polar, at codon 1017 of the KIAA0556 protein (p.Asp1017Asn). Algorithms developed to predict the effect of missense changes on protein structure and function are either unavailable or do not agree on the potential impact of this missense change (SIFT: "Tolerated"; PolyPhen-2: "Possibly Damaging"; Align-GVGD: "Class C0"). In summary, the available evidence is currently insufficient to determine the role of this variant in disease. Therefore, it has been classified as a Variant of Uncertain Significance.

NM_015202.5(KATNIP):c.3049G>A (p.Asp1017Asn)

Gene: KATNIP (katanin interacting protein; plus strand). Cytogenetic location: 16p12.1.
Variant type: single nucleotide variant.
Coding change: c.3049G>A on transcript NM_015202.5 (MANE Select); coding-DNA position 3049, G replaced by A.
Protein change: p.Asp1017Asn; replaces aspartic acid 1017 with asparagine.
Molecular consequence: missense variant.
Genome position (GRCh38, 1-based): chr16:27,750,009, G>A. VCF-style: chr16-27750009-G-A. GRCh37 (hg19) VCF-style: chr16-27761330-G-A.
Other names: c.3049G>A (NM_015202.3, NM_015202.2); short protein forms D1017N.
Identifiers: ClinVar variation 2057777 (VCV002057777.6), dbSNP rs377123532, ClinGen allele CA7978132.